The following is an entry in ClinVar:

ClinVar aggregate classification (germline): Conflicting classifications of pathogenicity. Review status: criteria provided, conflicting classifications (1 of 4 stars). 3 submissions from 3 submitters: Uncertain significance (2); Likely benign (1). Last evaluated 2025-12-10.

Conditions:
Cardiovascular phenotype. Identifiers: MedGen CN230736.
AKAP9-related disorder. Also called: AKAP9-related condition.
Long QT syndrome (LQTS). Identifiers: MedGen C0023976, MeSH D008133, MONDO:0002442. Disease mechanism: loss of function. Inheritance: Various modes of inheritance.

Allele frequency attached by ClinVar (database versions not stated): ExAC 0.00001; gnomAD exomes 0.00001 and 0.00002; gnomAD 0.00002; TOPMed 0.00002.
gnomAD v4.1: 29 of 1,614,092 alleles (0.0018%); highest among the groups gnomAD compares: African/African-American, 0.004%; no homozygotes.

Submissions (3):

Labcorp Genetics (formerly Invitae), Labcorp
Classification: Uncertain significance for Long QT syndrome. Last evaluated: 2025-12-10. Review status: criteria provided, single submitter. Criteria: Invitae Variant Classification Sherloc (09022015). Collection method: clinical testing. Allele origin: germline.
Comment: This sequence change replaces arginine, which is basic and polar, with tryptophan, which is neutral and slightly polar, at codon 3237 of the AKAP9 protein (p.Arg3237Trp). This variant is present in population databases (rs749167841, gnomAD 0.007%). This variant has not been reported in the literature in individuals affected with AKAP9-related conditions. ClinVar contains an entry for this variant (Variation ID: 1383280). An algorithm developed to predict the effect of missense changes on protein structure and function (PolyPhen-2) suggests that this variant is likely to be disruptive. In summary, the available evidence is currently insufficient to determine the role of this variant in disease. Therefore, it has been classified as a Variant of Uncertain Significance.

Ambry Genetics
Classification: Likely benign for Cardiovascular phenotype. Last evaluated: 2025-02-21. Review status: criteria provided, single submitter. Criteria: Ambry Variant Classification Scheme 2023. Collection method: clinical testing. Allele origin: germline.

PreventionGenetics, part of Exact Sciences
Classification: Uncertain significance for AKAP9-related condition. Last evaluated: 2022-09-14. Review status: criteria provided, single submitter. Criteria: ACMG Guidelines, 2015. Collection method: clinical testing. Allele origin: germline.
Comment: The AKAP9 c.9709C>T variant is predicted to result in the amino acid substitution p.Arg3237Trp. To our knowledge, this variant has not been reported in the literature. This variant is reported in 0.0062% of alleles in individuals of African descent in gnomAD. At this time, the clinical significance of this variant is uncertain due to the absence of conclusive functional and genetic evidence.

NM_005751.5(AKAP9):c.9709C>T (p.Arg3237Trp)

Gene: AKAP9 (A-kinase anchoring protein 9; plus strand). Cytogenetic location: 7q21.2.
Variant type: single nucleotide variant.
Coding change: c.9709C>T on transcript NM_005751.5 (MANE Select); coding-DNA position 9709, C replaced by T.
Protein change: p.Arg3237Trp; replaces arginine 3237 with tryptophan.
Molecular consequence: missense variant.
Genome position (GRCh38, 1-based): chr7:92,095,153, C>T. VCF-style: chr7-92095153-C-T. GRCh37 (hg19) VCF-style: chr7-91724467-C-T.
Other names: c.9709C>T (NM_005751.4); c.4354C>T, p.Arg1452Trp (NM_001379277.1); c.9685C>T, p.Arg3229Trp (NM_147185.3); short protein forms R1452W, R3229W, R3237W.
Identifiers: ClinVar variation 1383280 (VCV001383280.9), dbSNP rs749167841, ClinGen allele CA4337824.